The following is an entry in ClinVar:

ClinVar aggregate classification (germline): Uncertain significance (1 of 4 stars; one submission).

Submission:

Ambry Genetics
Classification: Uncertain significance. Last evaluated: 2025-01-25. Review status: criteria provided, single submitter. Criteria: Ambry Variant Classification Scheme 2023. Collection method: clinical testing. Allele origin: germline.
Comment: The p.P46A variant (also known as c.136C>G), located in coding exon 1 of the TET2 gene, results from a C to G substitution at nucleotide position 136. The proline at codon 46 is replaced by alanine, an amino acid with highly similar properties. This amino acid position is conserved. In addition, this alteration is predicted to be tolerated by in silico analysis. Based on the available evidence, the clinical significance of this variant remains unclear.

NM_001127208.3(TET2):c.136C>G (p.Pro46Ala)

Genes: TET2 (tet methylcytosine dioxygenase 2; plus strand), TET2-AS1 (TET2 antisense RNA 1; minus strand). Cytogenetic location: 4q24.
Variant type: single nucleotide variant.
Coding change: c.136C>G on transcript NM_001127208.3 (MANE Select); coding-DNA position 136, C replaced by G.
Protein change: p.Pro46Ala; replaces proline 46 with alanine.
Molecular consequence: missense variant.
Genome position (GRCh38, 1-based): chr4:105,234,078, C>G. VCF-style: chr4-105234078-C-G. GRCh37 (hg19) VCF-style: chr4-106155235-C-G.
Other names: c.136C>G, p.Pro46Ala (NM_017628.4); short protein forms P46A.
Identifiers: ClinVar variation 3806005 (VCV003806005.1).